The following is an entry in ClinVar:

ClinVar aggregate classification (germline): Uncertain significance. Review status: criteria provided, multiple submitters, no conflicts (2 of 4 stars). 2 submissions from 2 submitters: Uncertain significance (2). Last evaluated 2022-07-26.

Allele frequency attached by ClinVar (database versions not stated): gnomAD exomes below 0.00001; TOPMed 0.00002.
gnomAD v4.1: 2 of 1,614,162 alleles (0.00012%); highest among the groups gnomAD compares: East Asian, 0.0045%; no homozygotes.

Submissions (2):

Ambry Genetics
Classification: Uncertain significance. Last evaluated: 2022-07-26. Review status: criteria provided, single submitter. Criteria: Ambry Variant Classification Scheme 2023. Collection method: clinical testing. Allele origin: germline.

Labcorp Genetics (formerly Invitae), Labcorp
Classification: Uncertain significance. Last evaluated: 2021-01-25. Review status: criteria provided, single submitter. Criteria: Invitae Variant Classification Sherloc (09022015). Collection method: clinical testing. Allele origin: germline.
Comment: This variant is not present in population databases (ExAC no frequency). This sequence change replaces arginine with tryptophan at codon 1703 of the CEP250 protein (p.Arg1703Trp). The arginine residue is moderately conserved and there is a moderate physicochemical difference between arginine and tryptophan. This variant has not been reported in the literature in individuals with CEP250-related conditions. Algorithms developed to predict the effect of missense changes on protein structure and function output the following: SIFT: "Not Available"; PolyPhen-2: "Benign"; Align-GVGD: "Not Available". The tryptophan amino acid residue is found in multiple mammalian species, suggesting that this missense change does not adversely affect protein function. These predictions have not been confirmed by published functional studies and their clinical significance is uncertain. In summary, the available evidence is currently insufficient to determine the role of this variant in disease. Therefore, it has been classified as a Variant of Uncertain Significance.

NM_007186.6(CEP250):c.5107A>T (p.Arg1703Trp)

Gene: CEP250 (centrosomal protein 250; plus strand). Cytogenetic location: 20q11.22.
Variant type: single nucleotide variant.
Coding change: c.5107A>T on transcript NM_007186.6 (MANE Select); coding-DNA position 5107, A replaced by T.
Protein change: p.Arg1703Trp; replaces arginine 1703 with tryptophan.
Molecular consequence: missense variant.
Genome position (GRCh38, 1-based): chr20:35,503,476, A>T. VCF-style: chr20-35503476-A-T. GRCh37 (hg19) VCF-style: chr20-34091304-A-T.
Other names: c.5107A>T (NM_007186.3); c.3211A>T, p.Arg1071Trp (NM_001318219.1); short protein forms R1071W, R1703W.
Identifiers: ClinVar variation 1417339 (VCV001417339.9), dbSNP rs1293253583, ClinGen allele CA408750365.